The following is an entry in ClinVar:

NM_032043.3(BRIP1):c.1679A>T (p.Asn560Ile)

Gene: BRIP1 (BRCA1 interacting DNA helicase 1; minus strand). Cytogenetic location: 17q23.2.
Variant type: single nucleotide variant.
Coding change: c.1679A>T on transcript NM_032043.3 (MANE Select); coding-DNA position 1679, A replaced by T.
Protein change: p.Asn560Ile; replaces asparagine 560 with isoleucine.
Molecular consequence: missense variant.
Genome position (GRCh38, 1-based): chr17:61,780,955, T>A on the plus strand (A>T on the coding strand, the complement: BRIP1 is on the minus strand). VCF-style: chr17-61780955-T-A. GRCh37 (hg19) VCF-style: chr17-59858316-T-A.
Other names: short protein forms N560I.
Identifiers: ClinVar variation 496481 (VCV000496481.11), dbSNP rs1555602592, ClinGen allele CA400480482.
Genomic context (GRCh38, chr17:61,780,955, plus strand): 5'-GAACGTTTCTTATTTTTTGGTAGAACCAACAACCCATTTTTGTCTGAAATATCAATCTGA[T>A]TTGTCCAGGAGTAAGTCTGTTGAATCGCAATTTTATAATCATCTGCAAATCTAGATGCAA-3'
Protein context (NP_114432.2, residues 550-570): IAIQQTYSWT[Asn560Ile]QIDISDKNGL

ClinVar aggregate classification (germline): Uncertain significance. Review status: criteria provided, multiple submitters, no conflicts (2 of 4 stars). 3 submissions from 3 submitters: Uncertain significance (3). Last evaluated 2025-08-14.

Conditions:
Hereditary cancer-predisposing syndrome. Also called: Tumor predisposition; Hereditary neoplastic syndrome; Neoplastic Syndromes, Hereditary; Hereditary Cancer Syndrome. Identifiers: Orphanet 140162, MedGen C0027672, MeSH D009386, MONDO:0015356.
Familial cancer of breast. Also called: hereditary breast carcinoma; BREAST CANCER, FAMILIAL; Hereditary breast cancer. Identifiers: Orphanet 227535, MedGen C0346153, MONDO:0016419, OMIM 114480. Disease mechanism: loss of function.
Fanconi anemia complementation group J. Also called: BRIP1-Related Fanconi Anemia. Identifiers: Orphanet 84, MedGen C1836860, MONDO:0012187, OMIM 609054.

Submissions (3):

Ambry Genetics
Classification: Uncertain significance for Hereditary cancer-predisposing syndrome. Last evaluated: 2025-08-14. Review status: criteria provided, single submitter. Criteria: Ambry Variant Classification Scheme 2023. Collection method: clinical testing. Allele origin: germline.
Comment: The p.N560I variant (also known as c.1679A>T), located in coding exon 11 of the BRIP1 gene, results from an A to T substitution at nucleotide position 1679. The asparagine at codon 560 is replaced by isoleucine, an amino acid with dissimilar properties. This amino acid position is conserved. In addition, this alteration is predicted to be tolerated by in silico analysis. Based on the available evidence, the clinical significance of this variant remains unclear.

Labcorp Genetics (formerly Invitae), Labcorp
Classification: Uncertain significance for Familial cancer of breast; Fanconi anemia complementation group J. Last evaluated: 2020-03-14. Review status: criteria provided, single submitter. Criteria: Invitae Variant Classification Sherloc (09022015). Collection method: clinical testing. Allele origin: germline.
Comment: This sequence change replaces asparagine with isoleucine at codon 560 of the BRIP1 protein (p.Asn560Ile). The asparagine residue is highly conserved and there is a large physicochemical difference between asparagine and isoleucine. This variant is not present in population databases (ExAC no frequency). This variant has not been reported in the literature in individuals with BRIP1-related conditions. ClinVar contains an entry for this variant (Variation ID: 496481). Algorithms developed to predict the effect of missense changes on protein structure and function are either unavailable or do not agree on the potential impact of this missense change (SIFT: "Deleterious"; PolyPhen-2: "Possibly Damaging"; Align-GVGD: "Class C15"). In summary, the available evidence is currently insufficient to determine the role of this variant in disease. Therefore, it has been classified as a Variant of Uncertain Significance.

Women's Health and Genetics/Laboratory Corporation of America, LabCorp
Classification: Uncertain significance. Last evaluated: 2017-03-13. Review status: criteria provided, single submitter. Criteria: LabCorp Variant Classification Summary - May 2015. Collection method: clinical testing. Allele origin: germline.
Comment: Variant summary: The BRIP1 c.1679A>T (p.Asn560Ile) variant involves the alteration of a conserved nucleotide that 3/4 in silico tools (SNPs&GO and MutationTaster not captured due to low reliability index and p-value, respectively) predict a benign outcome, although these predictions have yet to be functionally assessed. The variant of interest was not observed in controls (ExAC, 1000 Gs, or ESP), nor has it been, to our knowledge, reported in affected individuals via publications and/or reputable databases/clinical diagnostic laboratories. Therefore, until additional information becomes available (ie, clinical and functional studies), the variant of interest has been classified as a "Variant of Uncertain Significance (VUS)."